The following is an entry in ClinVar:

ClinVar aggregate classification (germline): Uncertain significance (1 of 4 stars; one submission).

Submission:

GeneDx
Classification: Uncertain significance. Last evaluated: 2026-02-06. Review status: criteria provided, single submitter. Criteria: GeneDx Variant Classification Process June 2021. Collection method: clinical testing. Allele origin: germline.
Comment: In silico analysis supports that this missense variant has a deleterious effect on protein structure/function; Identified in a patient with developmental delay, cerebellar ataxia, seziures, brain atrophy, and wide based gait in the published literature (PMID: 37670026); This variant is associated with the following publications: (PMID: 37670026)

NM_017872.5(THG1L):c.224A>G (p.Asn75Ser)

Gene: THG1L (tRNA-histidine guanylyltransferase 1 like; plus strand). Cytogenetic location: 5q33.3.
Variant type: single nucleotide variant.
Coding change: c.224A>G on transcript NM_017872.5 (MANE Select); coding-DNA position 224, A replaced by G.
Protein change: p.Asn75Ser; replaces asparagine 75 with serine.
Molecular consequence: missense variant. On other transcripts: 5 prime UTR variant (2).
Genome position (GRCh38, 1-based): chr5:157,732,900, A>G. VCF-style: chr5-157732900-A-G. GRCh37 (hg19) VCF-style: chr5-157159908-A-G.
Other names: c.-78A>G (NM_001317824.2); c.-148A>G (NM_001317825.2); c.38A>G, p.Asn13Ser (NM_001317826.2); short protein forms N13S, N75S.
Identifiers: ClinVar variation 4975759 (VCV004975759.1).